The following is an entry in ClinVar:

NM_052961.4(SLC26A8):c.285C>T (p.Asp95=)

Gene: SLC26A8 (solute carrier family 26 member 8; minus strand). Cytogenetic location: 6p21.31.
Variant type: single nucleotide variant.
Coding change: c.285C>T on transcript NM_052961.4 (MANE Select); coding-DNA position 285, C replaced by T.
Protein change: p.Asp95=; no amino-acid change (aspartic acid 95 retained).
Molecular consequence: synonymous variant.
Genome position (GRCh38, 1-based): chr6:36,012,276, G>A on the plus strand (C>T on the coding strand, the complement: SLC26A8 is on the minus strand). VCF-style: chr6-36012276-G-A. GRCh37 (hg19) VCF-style: chr6-35980053-G-A.
Other names: c.285C>T, p.Asp95= (NM_001193476.2, NM_138718.3).
Identifiers: ClinVar variation 3037302 (VCV003037302.2), dbSNP rs72923104, ClinGen allele CA3775862.

ClinVar aggregate classification (germline): Likely benign (0 of 4 stars; one submission).

Conditions:
SLC26A8-related disorder. Also called: SLC26A8-related condition.

Allele frequency attached by ClinVar (database versions not stated): TOPMed 0.00020; ESP Exome Variant Server 0.00023; gnomAD 0.00026; gnomAD exomes 0.00036; 1000 Genomes Project 0.00040; 1000 Genomes Project 30x 0.00047; ExAC 0.00052.
gnomAD v4.1: 554 of 1,612,132 alleles (0.034%); highest among the groups gnomAD compares: Non-Finnish European, 0.043%; no homozygotes.

Submission:

PreventionGenetics, part of Exact Sciences
Classification: Likely benign for SLC26A8-related condition. Last evaluated: 2019-04-10. Review status: no assertion criteria provided. Collection method: clinical testing. Allele origin: germline.
Comment: This variant is classified as likely benign based on ACMG/AMP sequence variant interpretation guidelines (Richards et al. 2015 PMID: 25741868, with internal and published modifications).